The following is an entry in ClinVar:

NM_020937.4(FANCM):c.3536C>G (p.Ser1179Cys)

Gene: FANCM (FA complementation group M; plus strand). Cytogenetic location: 14q21.2.
Variant type: single nucleotide variant.
Coding change: c.3536C>G on transcript NM_020937.4 (MANE Select); coding-DNA position 3536, C replaced by G.
Protein change: p.Ser1179Cys; replaces serine 1179 with cysteine.
Molecular consequence: missense variant.
Genome position (GRCh38, 1-based): chr14:45,176,290, C>G. VCF-style: chr14-45176290-C-G. GRCh37 (hg19) VCF-style: chr14-45645493-C-G.
Other names: c.3458C>G, p.Ser1153Cys (NM_001308133.2); short protein forms S1179C, S1153C.
Identifiers: ClinVar variation 4022674 (VCV004022674.1).

ClinVar aggregate classification (germline): Uncertain significance (1 of 4 stars; one submission).

Conditions:
Inborn genetic diseases. Identifiers: MedGen C0950123, MeSH D030342.

Submission:

Ambry Genetics
Classification: Uncertain significance for Inborn genetic diseases. Last evaluated: 2025-04-10. Review status: criteria provided, single submitter. Criteria: Ambry Variant Classification Scheme 2023. Collection method: clinical testing. Allele origin: germline.
Comment: The p.S1179C variant (also known as c.3536C>G), located in coding exon 14 of the FANCM gene, results from a C to G substitution at nucleotide position 3536. The serine at codon 1179 is replaced by cysteine, an amino acid with dissimilar properties. This amino acid position is conserved. In addition, this alteration is predicted to be tolerated by in silico analysis. Based on the available evidence, the clinical significance of this variant remains unclear.